The following is an entry in ClinVar:

NM_003128.3(SPTBN1):c.1874A>T (p.Gln625Leu)

Gene: SPTBN1 (spectrin beta, non-erythrocytic 1; plus strand). Cytogenetic location: 2p16.2.
Variant type: single nucleotide variant.
Coding change: c.1874A>T on transcript NM_003128.3 (MANE Select); coding-DNA position 1874, A replaced by T.
Protein change: p.Gln625Leu; replaces glutamine 625 with leucine.
Molecular consequence: missense variant.
Genome position (GRCh38, 1-based): chr2:54,629,008, A>T. VCF-style: chr2-54629008-A-T. GRCh37 (hg19) VCF-style: chr2-54856145-A-T.
Other names: c.1835A>T, p.Gln612Leu (NM_178313.3); short protein forms Q612L, Q625L.
Identifiers: ClinVar variation 3776403 (VCV003776403.2).
Genomic context (GRCh38, chr2:54,629,008, plus strand): 5'-ACCCCCAGGTGATCCGAGACCGCGTGGCCCACATGGAGTTCTGTTATCAAGAGCTTTGCC[A>T]GCTGGCGGCTGAGCGCAGGGCCCGTCTGGAAGAGTCCCGCCGCCTCTGGAAGTTCTTCTG-3'
Protein context (NP_003119.2, residues 615-635): HMEFCYQELC[Gln625Leu]LAAERRARLE

ClinVar aggregate classification (germline): Uncertain significance. Review status: criteria provided, multiple submitters, no conflicts (2 of 4 stars). 2 submissions from 2 submitters: Uncertain significance (2). Last evaluated 2025-06-19.

Conditions:
Inborn genetic diseases. Identifiers: MedGen C0950123, MeSH D030342.

Submissions (2):

Ambry Genetics
Classification: Uncertain significance for Inborn genetic diseases. Last evaluated: 2025-06-19. Review status: criteria provided, single submitter. Criteria: Ambry Variant Classification Scheme 2023. Collection method: clinical testing. Allele origin: germline.

GeneDx
Classification: Uncertain significance. Last evaluated: 2024-10-01. Review status: criteria provided, single submitter. Criteria: GeneDx Variant Classification Process June 2021. Collection method: clinical testing. Allele origin: germline. Affected: yes.
Comment: Not observed at significant frequency in large population cohorts (gnomAD); In silico analysis supports that this missense variant has a deleterious effect on protein structure/function; Has not been previously published as pathogenic or benign to our knowledge